The following is an entry in ClinVar:

NC_000019.9:g.(?_13135448)_(13136386_?)dup

Gene: NFIX (nuclear factor I X; plus strand). Cytogenetic location: 19p13.2.
Variant type: Duplication.
Identifiers: ClinVar variation 3248491 (VCV003248491.1).

ClinVar aggregate classification (germline): Uncertain significance (1 of 4 stars; one submission).

Conditions:
Marshall-Smith syndrome (MRSHSS). Identifiers: Orphanet 561, MedGen C0265211, MONDO:0011244, OMIM 602535.
Malan overgrowth syndrome (MALNS). Also called: MALAN SYNDROME; NFIX-Related Malan Syndrome; Sotos syndrome 2. Identifiers: Orphanet 420179, MedGen C3553660, MONDO:0013885, OMIM 614753.

Submission:

Labcorp Genetics (formerly Invitae), Labcorp
Classification: Uncertain significance for Malan overgrowth syndrome; Marshall-Smith syndrome. Last evaluated: 2024-01-17. Review status: criteria provided, single submitter. Criteria: Invitae Variant Classification Sherloc (09022015). Collection method: clinical testing. Allele origin: unknown.
Comment: This variant results in a copy number gain of the genomic region encompassing exon(s) 1-2 of the NFIX gene. This region includes the initiator codon of the gene. This copy number gain extends beyond the assayed region for this gene and therefore may encompass additional genes. As the precise location of this event is unknown, it may be in tandem or it may be located elsewhere in the genome. This variant has not been reported in the literature in individuals affected with NFIX-related conditions. In summary, the available evidence is currently insufficient to determine the role of this variant in disease. Therefore, it has been classified as a Variant of Uncertain Significance.